The following is an entry in ClinVar:

ClinVar aggregate classification (germline): Uncertain significance. Review status: criteria provided, multiple submitters, no conflicts (2 of 4 stars). 2 submissions from 2 submitters: Uncertain significance (2). Last evaluated 2025-08-23.

Conditions:
Neurodevelopmental disorder with hypotonia and variable intellectual and behavioral abnormalities. Identifiers: MedGen C5231423, MONDO:0032829, OMIM 618603.
Inborn genetic diseases. Identifiers: MedGen C0950123, MeSH D030342.

Submissions (2):

Ambry Genetics
Classification: Uncertain significance for Inborn genetic diseases. Last evaluated: 2025-08-23. Review status: criteria provided, single submitter. Criteria: Ambry Variant Classification Scheme 2023. Collection method: clinical testing. Allele origin: germline.

Pittsburgh Clinical Genomics Laboratory, University of Pittsburgh Medical Center
Classification: Uncertain significance for Neurodevelopmental disorder with hypotonia and variable intellectual and behavioral abnormalities. Last evaluated: 2021-08-10. Review status: criteria provided, single submitter. Criteria: ACMG Guidelines, 2015. Collection method: clinical testing. Allele origin: germline. Inheritance: Autosomal dominant inheritance. Affected: yes.
Comment: This sequence variant is a single nucleotide substitution (C>G) that results in a proline to alanine amino acid change at position 1952 of the RPB1 protein. This variant has not been reported to repositories of clinically annotated variants (ClinVar) or observed in individuals with POLR2A-related disease in the literature, to our knowledge. This variant is rare in control population datasets (gnomAD database 1/219468 alleles or 0.0005%). Bioinformatic tools do not agree as to whether this variant would be tolerated or damaging, and the Pro1952 residue is well conserved across the vertebrate species examined. Functiol studies examining the effect of this variant on protein structure or activity have not been performed, to our knowledge. At this time, there is insufficient evidence to determine if this variant is pathogenic or benign. Therefore, we consider this a variant of uncertain significance. ACMG Criteria: BS4, PM2

NM_000937.5(POLR2A):c.5854C>G (p.Pro1952Ala)

Gene: POLR2A (RNA polymerase II subunit A; plus strand). Cytogenetic location: 17p13.1.
Variant type: single nucleotide variant.
Coding change: c.5854C>G on transcript NM_000937.5 (MANE Select); coding-DNA position 5854, C replaced by G.
Protein change: p.Pro1952Ala; replaces proline 1952 with alanine.
Molecular consequence: missense variant.
Genome position (GRCh38, 1-based): chr17:7,514,120, C>G. VCF-style: chr17-7514120-C-G. GRCh37 (hg19) VCF-style: chr17-7417437-C-G.
Other names: c.5854C>G (NM_000937.4); short protein forms P1952A.
Identifiers: ClinVar variation 3376242 (VCV003376242.2).